The following is an entry in ClinVar:

ClinVar aggregate classification (germline): Uncertain significance (1 of 4 stars; one submission).

Submission:

Labcorp Genetics (formerly Invitae), Labcorp
Classification: Uncertain significance. Last evaluated: 2025-10-05. Review status: criteria provided, single submitter. Criteria: Invitae Variant Classification Sherloc (09022015). Collection method: clinical testing. Allele origin: germline.
Comment: This sequence change affects codon 462 of the SLC4A1 mRNA. It is a 'silent' change, meaning that it does not change the encoded amino acid sequence of the SLC4A1 protein. This variant is not present in population databases (gnomAD no frequency). This variant has not been reported in the literature in individuals affected with SLC4A1-related conditions. Algorithms developed to predict the effect of sequence changes on RNA splicing suggest that this variant may disrupt the consensus splice site. In summary, the available evidence is currently insufficient to determine the role of this variant in disease. Therefore, it has been classified as a Variant of Uncertain Significance.

NM_000342.4(SLC4A1):c.1386C>A (p.Val462=)

Gene: SLC4A1 (solute carrier family 4 member 1 (Diego blood group); minus strand). Cytogenetic location: 17q21.31.
Variant type: single nucleotide variant.
Coding change: c.1386C>A on transcript NM_000342.4 (MANE Select); coding-DNA position 1386, C replaced by A.
Protein change: p.Val462=; no amino-acid change (valine 462 retained).
Molecular consequence: synonymous variant.
Genome position (GRCh38, 1-based): chr17:44,257,704, G>T on the plus strand (C>A on the coding strand, the complement: SLC4A1 is on the minus strand). VCF-style: chr17-44257704-G-T. GRCh37 (hg19) VCF-style: chr17-42335072-G-T.
Identifiers: ClinVar variation 4728495 (VCV004728495.1).